The following is an entry in ClinVar:

NM_001110556.2(FLNA):c.6596G>A (p.Cys2199Tyr)

Gene: FLNA (filamin A; minus strand). Cytogenetic location: Xq28.
Variant type: single nucleotide variant.
Coding change: c.6596G>A on transcript NM_001110556.2 (MANE Select); coding-DNA position 6596, G replaced by A.
Protein change: p.Cys2199Tyr; replaces cysteine 2199 with tyrosine.
Molecular consequence: missense variant.
Genome position (GRCh38, 1-based): chrX:154,352,354, C>T on the plus strand (G>A on the coding strand, the complement: FLNA is on the minus strand). VCF-style: chrX-154352354-C-T. GRCh37 (hg19) VCF-style: chrX-153580722-C-T.
Other names: c.6572G>A, p.Cys2191Tyr (NM_001456.4); short protein forms C2191Y, C2199Y.
Identifiers: ClinVar variation 4635395 (VCV004635395.1).
Genomic context (GRCh38, chrX:154,352,354, plus strand): 5'-TGGCCCTTGTACTTCACGCTGACTGTGTGTGTGCCCATCTCAGCGGGAACAAAGCGGATG[C>T]AGTAGGTGTGGTTCTCCCCTTCCACGATCTCGGCCTCATGGGTCTTGCCCGATGGGCTGG-3'
Protein context (NP_001104026.1, residues 2189-2209): EIVEGENHTY[Cys2199Tyr]IRFVPAEMGT

ClinVar aggregate classification (germline): Uncertain significance (1 of 4 stars; one submission).

Conditions:
Familial thoracic aortic aneurysm and aortic dissection (TAAD). Also called: Thoracic aortic aneurysms and dissections. Identifiers: Orphanet 91387, MedGen C4707243, MONDO:0019625.

gnomAD v4.1: 2 of 1,212,103 alleles (0.00017%); highest among the groups gnomAD compares: South Asian, 0.0035%; no homozygotes.

Submission:

Ambry Genetics
Classification: Uncertain significance for Familial thoracic aortic aneurysm and aortic dissection. Last evaluated: 2025-12-10. Review status: criteria provided, single submitter. Criteria: Ambry Variant Classification Scheme 2023. Collection method: clinical testing. Allele origin: germline.
Comment: The p.C2191Y variant (also known as c.6572G>A), located in coding exon 39 of the FLNA gene, results from a G to A substitution at nucleotide position 6572. The cysteine at codon 2191 is replaced by tyrosine, an amino acid with highly dissimilar properties. This amino acid position is highly conserved in available vertebrate species. In addition, this alteration is predicted to be deleterious by in silico analysis. Based on the available evidence, the clinical significance of this variant remains unclear.